The following is an entry in ClinVar:

NM_018668.5(VPS33B):c.1657+1del

Gene: VPS33B (VPS33B late endosome and lysosome associated; minus strand). Cytogenetic location: 15q26.1.
Variant type: Deletion.
Coding change: c.1657+1del on transcript NM_018668.5 (MANE Select); the canonical splice donor site of the intron after coding-DNA position 1657, one base deleted (G; older notation c.1657+1delG).
Molecular consequence: splice donor variant.
Genome position (GRCh38, 1-based): chr15:90,999,899, C deleted on the plus strand (G on the coding strand, the reverse complement: VPS33B is on the minus strand); the first of 2 consecutive C bases (chr15:90,999,899-90,999,900); deleting either gives the same sequence. VCF-style (leftmost placement, unchanged base first): chr15-90999898-AC-A. GRCh37 (hg19) VCF-style: chr15-91543128-AC-A.
Other names: c.1576+1del (NM_001289148.1); c.1384+1del (NM_001289149.1).
Identifiers: ClinVar variation 5005486 (VCV005005486.2).

ClinVar aggregate classification (germline): Likely pathogenic (1 of 4 stars; one submission).

Conditions:
Cholestasis, progressive familial intrahepatic, 12 (PFIC12). Also called: CHOLESTASIS, ISOLATED LOW-GGT. Identifiers: MedGen C5774311, MONDO:0031040, OMIM 620010.
Keratoderma-ichthyosis-deafness syndrome, autosomal recessive (KDIDAR). Identifiers: MedGen C5774200, MONDO:0859278, OMIM 620009.
Arthrogryposis, renal dysfunction, and cholestasis 1 (ARCS1). Identifiers: Orphanet 2697, MedGen C1859722, MONDO:0008822, OMIM 208085.

Submission:

Juno Genomics, Hangzhou Juno Genomics, Inc
Classification: Likely pathogenic for Arthrogryposis, renal dysfunction, and cholestasis 1; Cholestasis, progressive familial intrahepatic, 12; Keratoderma-ichthyosis-deafness syndrome, autosomal recessive. Review status: criteria provided, single submitter. Criteria: ACMG Guidelines, 2015. Collection method: clinical testing. Allele origin: germline.
Comment: Null variant in a gene where loss of function (LOF) is a known mechanism of disease.;Absent from controls (or at extremely low frequency if recessive) in Genome Aggregation Database.